The following is an entry in ClinVar:

NM_001347721.2(DYRK1A):c.618_619dup (p.Glu207fs)

Gene: DYRK1A (dual specificity tyrosine phosphorylation regulated kinase 1A; plus strand). Cytogenetic location: 21q22.13.
Variant type: Duplication.
Coding change: c.618_619dup on transcript NM_001347721.2 (MANE Select); coding-DNA positions 618 to 619, 2 bases duplicated (TG; older notation c.618_619dupTG).
Protein change: p.Glu207fs; shifts the reading frame from glutamic acid 207.
Molecular consequence: frameshift variant.
Genome position (GRCh38, 1-based): chr21:37,486,595-37,486,596, TG duplicated. VCF-style (leftmost placement, unchanged base first): chr21-37486594-C-CTG. GRCh37 (hg19) VCF-style: chr21-38858896-C-CTG.
Other names: c.618_619dup, p.Glu207fs (NM_001347722.2, NM_130436.2); c.531_532dup, p.Glu178fs (NM_001347723.2); c.645_646dup, p.Glu216fs (NM_001396.5, NM_101395.2, NM_130438.2); short protein forms E178fs, E207fs, E216fs.
Identifiers: ClinVar variation 2829226 (VCV002829226.3), dbSNP rs2518010459, ClinGen allele CA2739267636.
Genomic context (GRCh38, chr21:37,486,594, plus strand): 5'-CTTTTCTGAATCAAGCACAGATAGAAGTGCGACTTCTTGAGCTCATGAACAAACATGACA[C>CTG]TGAAATGAAATACTACATAGGTAAACAAACAGGCAAACAGCGCAGTGTGCCCCAACCCAC-3'

ClinVar aggregate classification (germline): Pathogenic (1 of 4 stars; one submission).

Conditions:
DYRK1A-related intellectual disability syndrome (MRD7). Also called: DYRK1A Syndrome; Intellectual developmental disorder, autosomal dominant 7. Identifiers: Orphanet 464306, MedGen C5568143, MONDO:0013578, OMIM 614104.

Submission:

Labcorp Genetics (formerly Invitae), Labcorp
Classification: Pathogenic for DYRK1A-related intellectual disability syndrome. Last evaluated: 2023-01-16. Review status: criteria provided, single submitter. Criteria: Invitae Variant Classification Sherloc (09022015). Collection method: clinical testing. Allele origin: germline.
Comment: For these reasons, this variant has been classified as Pathogenic. This variant has not been reported in the literature in individuals affected with DYRK1A-related conditions. This variant is not present in population databases (gnomAD no frequency). This sequence change creates a premature translational stop signal (p.Glu216Valfs*3) in the DYRK1A gene. It is expected to result in an absent or disrupted protein product. Loss-of-function variants in DYRK1A are known to be pathogenic (PMID: 25944381).

Literature cited by the submitters: PubMed 25944381.